The following is an entry in ClinVar:

ClinVar aggregate classification (germline): Uncertain significance (1 of 4 stars; one submission).

Conditions:
Spastic paraplegia. Identifiers: MedGen C0037772, HP:0001258.

Submission:

Labcorp Genetics (formerly Invitae), Labcorp
Classification: Uncertain significance for Spastic paraplegia. Last evaluated: 2024-02-24. Review status: criteria provided, single submitter. Criteria: Invitae Variant Classification Sherloc (09022015). Collection method: clinical testing. Allele origin: germline.
Comment: This sequence change replaces lysine, which is basic and polar, with glutamic acid, which is acidic and polar, at codon 309 of the SLC16A2 protein (p.Lys309Glu). This variant is not present in population databases (gnomAD no frequency). This variant has not been reported in the literature in individuals affected with SLC16A2-related conditions. ClinVar contains an entry for this variant (Variation ID: 1491447). Advanced modeling of protein sequence and biophysical properties (such as structural, functional, and spatial information, amino acid conservation, physicochemical variation, residue mobility, and thermodynamic stability) performed at Invitae indicates that this missense variant is not expected to disrupt SLC16A2 protein function with a negative predictive value of 80%. In summary, the available evidence is currently insufficient to determine the role of this variant in disease. Therefore, it has been classified as a Variant of Uncertain Significance.

NM_006517.5(SLC16A2):c.925A>G (p.Lys309Glu)

Gene: SLC16A2 (solute carrier family 16 member 2; plus strand). Cytogenetic location: Xq13.2.
Variant type: single nucleotide variant.
Coding change: c.925A>G on transcript NM_006517.5 (MANE Select); coding-DNA position 925, A replaced by G.
Protein change: p.Lys309Glu; replaces lysine 309 with glutamic acid.
Molecular consequence: missense variant.
Genome position (GRCh38, 1-based): chrX:74,524,708, A>G. VCF-style: chrX-74524708-A-G. GRCh37 (hg19) VCF-style: chrX-73744543-A-G.
Other names: short protein forms K309E.
Identifiers: ClinVar variation 1491447 (VCV001491447.6), dbSNP rs2147870660, ClinGen allele CA413657580.